The following is an entry in ClinVar:

NM_030632.3(ASXL3):c.1744C>T (p.Gln582Ter)

Gene: ASXL3 (ASXL transcriptional regulator 3; plus strand). Cytogenetic location: 18q12.1.
Variant type: single nucleotide variant.
Coding change: c.1744C>T on transcript NM_030632.3 (MANE Select); coding-DNA position 1744, C replaced by T.
Protein change: p.Gln582Ter; replaces glutamine 582 with a stop codon.
Molecular consequence: nonsense.
Genome position (GRCh38, 1-based): chr18:33,739,148, C>T. VCF-style: chr18-33739148-C-T. GRCh37 (hg19) VCF-style: chr18-31319112-C-T.
Other names: short protein forms Q582*.
Identifiers: ClinVar variation 3066157 (VCV003066157.1), dbSNP rs1463563881, ClinGen allele CA402176237.

ClinVar aggregate classification (germline): Likely pathogenic (1 of 4 stars; one submission).

Conditions:
Bainbridge-Ropers syndrome. Also called: Severe feeding difficulties-failure to thrive-microcephaly due to ASXL3 deficiency syndrome. Identifiers: Orphanet 352577, MedGen C4750837, MONDO:0014205, OMIM 615485.

Submission:

MVZ Medizinische Genetik Mainz
Classification: Likely pathogenic for Bainbridge-Ropers syndrome. Last evaluated: 2023-08-01. Review status: criteria provided, single submitter. Criteria: UK Practice Guidelines For Variant Classification V4 01 2020. Collection method: clinical testing. Allele origin: germline. Inheritance: Autosomal dominant inheritance. Affected: yes. Observed: 1 variant allele.
Comment: ACMG Criteria: PVS1,PM2_SUP